The following is an entry in ClinVar:

ClinVar aggregate classification (germline): Uncertain significance (1 of 4 stars; one submission).

Conditions:
Holoprosencephaly 9 (HPE9). Also called: PITUITARY ANOMALIES WITH HOLOPROSENCEPHALY-LIKE FEATURES; HOLOPROSENCEPHALY WITH MICROPHTHALMIA AND FIRST BRANCHIAL ARCH ANOMALIES. Identifiers: Orphanet 2162, MedGen C1835819, MONDO:0012563, OMIM 610829.

Submission:

Centre for Mendelian Genomics, University Medical Centre Ljubljana
Classification: Uncertain significance for Holoprosencephaly 9. Last evaluated: 2019-10-27. Review status: criteria provided, single submitter. Criteria: ACMG Guidelines, 2015. Collection method: clinical testing. Allele origin: unknown. Affected: yes.
Comment: This variant was classified as: Uncertain significance. The available evidence on this variant's pathogenicity is insufficient or conflicting. The following ACMG criteria were applied in classifying this variant: PM2,PP3.

NM_001374353.1(GLI2):c.146G>A (p.Gly49Glu)

Gene: GLI2 (GLI family zinc finger 2; plus strand). Cytogenetic location: 2q14.2.
Variant type: single nucleotide variant.
Coding change: c.146G>A on transcript NM_001374353.1 (MANE Select); coding-DNA position 146, G replaced by A.
Protein change: p.Gly49Glu; replaces glycine 49 with glutamic acid.
Molecular consequence: missense variant. On other transcripts: 5 prime UTR variant (1).
Genome position (GRCh38, 1-based): chr2:120,797,466, G>A. VCF-style: chr2-120797466-G-A. GRCh37 (hg19) VCF-style: chr2-121555042-G-A.
Other names: c.146G>A, p.Gly49Glu (NM_001371271.1, NM_005270.5); c.-124G>A (NM_001374354.1); short protein forms G49E.
Identifiers: ClinVar variation 930784 (VCV000930784.3), dbSNP rs1684453085, ClinGen allele CA348196767.